The following is an entry in ClinVar:

ClinVar aggregate classification (germline): Conflicting classifications of pathogenicity. Review status: criteria provided, conflicting classifications (1 of 4 stars). 2 submissions from 2 submitters: Uncertain significance (1); Likely benign (1). Last evaluated 2025-11-05.

Conditions:
Hereditary cancer-predisposing syndrome. Also called: Neoplastic Syndromes, Hereditary; Hereditary neoplastic syndrome; Tumor predisposition; Hereditary Cancer Syndrome. Identifiers: Orphanet 140162, MedGen C0027672, MeSH D009386, MONDO:0015356.
Neuroblastoma, susceptibility to, 3. Also called: ALK-Related Neuroblastic Tumor Susceptibility. Identifiers: Orphanet 635, MedGen C2751681, MONDO:0013083, OMIM 613014.

Allele frequency attached by ClinVar (database versions not stated): gnomAD exomes below 0.00001.
gnomAD v4.1: 1 of 1,614,076 alleles (0.000062%); highest among the groups gnomAD compares: Non-Finnish European, 0.000085%; no homozygotes.

Submissions (2):

Labcorp Genetics (formerly Invitae), Labcorp
Classification: Uncertain significance for Neuroblastoma, susceptibility to, 3. Last evaluated: 2025-11-05. Review status: criteria provided, single submitter. Criteria: Invitae Variant Classification Sherloc (09022015). Collection method: clinical testing. Allele origin: germline.
Comment: This sequence change replaces glutamine, which is neutral and polar, with histidine, which is basic and polar, at codon 180 of the ALK protein (p.Gln180His). This variant is not present in population databases (gnomAD no frequency). This variant has not been reported in the literature in individuals affected with ALK-related conditions. ClinVar contains an entry for this variant (Variation ID: 660784). An algorithm developed to predict the effect of missense changes on protein structure and function outputs the following: PolyPhen-2: "Benign". The histidine amino acid residue is found in multiple mammalian species, which suggests that this missense change does not adversely affect protein function. In summary, the available evidence is currently insufficient to determine the role of this variant in disease. Therefore, it has been classified as a Variant of Uncertain Significance.

Ambry Genetics
Classification: Likely benign for Hereditary cancer-predisposing syndrome. Last evaluated: 2025-09-24. Review status: criteria provided, single submitter. Criteria: Ambry Variant Classification Scheme 2023. Collection method: clinical testing. Allele origin: germline.

NM_004304.5(ALK):c.540A>C (p.Gln180His)

Gene: ALK (ALK receptor tyrosine kinase; minus strand). Cytogenetic location: 2p23.1.
Variant type: single nucleotide variant.
Coding change: c.540A>C on transcript NM_004304.5 (MANE Select); coding-DNA position 540, A replaced by C.
Protein change: p.Gln180His; replaces glutamine 180 with histidine.
Molecular consequence: missense variant.
Genome position (GRCh38, 1-based): chr2:29,920,120, T>G on the plus strand (A>C on the coding strand, the complement: ALK is on the minus strand). VCF-style: chr2-29920120-T-G. GRCh37 (hg19) VCF-style: chr2-30142986-T-G.
Other names: short protein forms Q180H.
Identifiers: ClinVar variation 660784 (VCV000660784.9), dbSNP rs1572502948, ClinGen allele CA346589837.